The following is an entry in ClinVar:

NM_000287.4(PEX6):c.1453A>G (p.Ser485Gly)

Gene: PEX6 (peroxisomal biogenesis factor 6; minus strand). Cytogenetic location: 6p21.1.
Variant type: single nucleotide variant.
Coding change: c.1453A>G on transcript NM_000287.4 (MANE Select); coding-DNA position 1453, A replaced by G.
Protein change: p.Ser485Gly; replaces serine 485 with glycine.
Molecular consequence: missense variant. On other transcripts: non-coding transcript variant (1).
Genome position (GRCh38, 1-based): chr6:42,968,900, T>C on the plus strand (A>G on the coding strand, the complement: PEX6 is on the minus strand). VCF-style: chr6-42968900-T-C. GRCh37 (hg19) VCF-style: chr6-42936638-T-C.
Other names: c.1189A>G, p.Ser397Gly (NM_001316313.2); short protein forms S397G, S485G.
Identifiers: ClinVar variation 1432970 (VCV001432970.5), dbSNP rs1211744219, ClinGen allele CA364155226.

ClinVar aggregate classification (germline): Uncertain significance (1 of 4 stars; one submission).

Conditions:
Peroxisome biogenesis disorder. Identifiers: Orphanet 79189, MedGen C1832200, MONDO:0019234. Disease mechanism: loss of function.

Allele frequency attached by ClinVar (database versions not stated): gnomAD exomes below 0.00001; gnomAD 0.00001; TOPMed 0.00002.
gnomAD v4.1: 7 of 1,613,826 alleles (0.00043%); highest among the groups gnomAD compares: African/African-American, 0.0013%; no homozygotes.

Submission:

Labcorp Genetics (formerly Invitae), Labcorp
Classification: Uncertain significance for Peroxisome biogenesis disorder. Last evaluated: 2021-08-30. Review status: criteria provided, single submitter. Criteria: Invitae Variant Classification Sherloc (09022015). Collection method: clinical testing. Allele origin: germline.
Comment: This sequence change replaces serine with glycine at codon 485 of the PEX6 protein (p.Ser485Gly). The serine residue is moderately conserved and there is a small physicochemical difference between serine and glycine. This variant is not present in population databases (ExAC no frequency). This variant has not been reported in the literature in individuals affected with PEX6-related conditions. Algorithms developed to predict the effect of missense changes on protein structure and function output the following: SIFT: "Tolerated"; PolyPhen-2: "Benign"; Align-GVGD: "Class C0". The glycine amino acid residue is found in multiple mammalian species, which suggests that this missense change does not adversely affect protein function. In summary, the available evidence is currently insufficient to determine the role of this variant in disease. Therefore, it has been classified as a Variant of Uncertain Significance.